The following is an entry in ClinVar:

ClinVar aggregate classification (germline): Benign. Review status: criteria provided, multiple submitters, no conflicts (2 of 4 stars). 3 submissions from 3 submitters: Benign (3). Last evaluated 2023-11-12.

Allele frequency attached by ClinVar (database versions not stated): 1000 Genomes Project 0.43331; 1000 Genomes Project 30x 0.44269; gnomAD 0.48186; ESP Exome Variant Server 0.53560; TOPMed 0.51173.
gnomAD v4.1: 653,878 of 1,470,626 alleles (44%); highest among the groups gnomAD compares: African/African-American, 68%; 151,336 homozygotes.

Submissions (3):

Unidad de Genómica Garrahan, Hospital de Pediatría Garrahan
Classification: Benign. Last evaluated: 2023-11-12. Review status: criteria provided, single submitter. Criteria: ACMG Guidelines, 2015. Collection method: clinical testing. Allele origin: germline. Affected: no. Observed: 60 variant alleles.
Comment: This variant is classified as Benign based on local population frequency. This variant was detected in 63% of patients studied by a panel of primary immunodeficiencies. Number of patients: 60. Only high quality variants are reported.

GeneDx
Classification: Benign. Last evaluated: 2018-06-14. Review status: criteria provided, single submitter. Criteria: GeneDx Variant Classification (06012015). Collection method: clinical testing. Allele origin: germline. Affected: yes.
Comment: This variant is considered likely benign or benign based on one or more of the following criteria: it is a conservative change, it occurs at a poorly conserved position in the protein, it is predicted to be benign by multiple in silico algorithms, and/or has population frequency not consistent with disease.

Breakthrough Genomics
Classification: Benign. Review status: criteria provided, single submitter. Criteria: ACMG Guidelines, 2015. Collection method: not provided. Allele origin: germline. Inheritance: Autosomal recessive inheritance. Affected: yes.

NM_203447.4(DOCK8):c.742-45C>T

Gene: DOCK8 (dedicator of cytokinesis 8; plus strand). Cytogenetic location: 9p24.3.
Variant type: single nucleotide variant.
Coding change: c.742-45C>T on transcript NM_203447.4 (MANE Select); 45 bases into the intron before coding-DNA position 742, C replaced by T.
Molecular consequence: intron variant.
Genome position (GRCh38, 1-based): chr9:316,998, C>T. VCF-style: chr9-316998-C-T. GRCh37 (hg19) VCF-style: chr9-316998-C-T.
Other names: c.538-45C>T (NM_001193536.2, NM_001190458.2).
Identifiers: ClinVar variation 673271 (VCV000673271.4), dbSNP rs2296824, ClinGen allele CA4957428.